The following is an entry in ClinVar:

NM_201384.3(PLEC):c.4786C>T (p.Leu1596=)

Gene: PLEC (plectin; minus strand). Cytogenetic location: 8q24.3.
Variant type: single nucleotide variant.
Coding change: c.4786C>T on transcript NM_201384.3 (MANE Select); coding-DNA position 4786, C replaced by T.
Protein change: p.Leu1596=; no amino-acid change (leucine 1596 retained).
Molecular consequence: synonymous variant.
Genome position (GRCh38, 1-based): chr8:143,925,143, G>A on the plus strand (C>T on the coding strand, the complement: PLEC is on the minus strand). VCF-style: chr8-143925143-G-A. GRCh37 (hg19) VCF-style: chr8-144999311-G-A.
Other names: c.4867C>T, p.Leu1623= (NM_000445.5); c.4744C>T, p.Leu1582= (NM_201378.4); c.4720C>T, p.Leu1574= (NM_201379.3); c.5197C>T, p.Leu1733= (NM_201380.4); c.4690C>T, p.Leu1564= (NM_201381.3); c.4786C>T, p.Leu1596= (NM_201382.4); c.4798C>T, p.Leu1600= (NM_201383.3).
Identifiers: ClinVar variation 424084 (VCV000424084.10), dbSNP rs782244301, ClinGen allele CA4926538.

ClinVar aggregate classification (germline): Conflicting classifications of pathogenicity. Review status: criteria provided, conflicting classifications (1 of 4 stars). 2 submissions from 2 submitters: Uncertain significance (1); Likely benign (1). Last evaluated 2023-11-04.

Conditions:
Epidermolysis bullosa simplex with nail dystrophy (EBS5D). Identifiers: MedGen C4225309, MONDO:0014661, OMIM 616487.
Autosomal recessive limb-girdle muscular dystrophy type 2Q (LGMDR17). Also called: MUSCULAR DYSTROPHY, LIMB-GIRDLE, AUTOSOMAL RECESSIVE 17. Identifiers: Orphanet 254361, MedGen C3150989, MONDO:0013390, OMIM 613723.
Epidermolysis bullosa simplex 5B, with muscular dystrophy (EBS5B). Also called: Epidermolysis bullosa simplex with muscular dystrophy; EPIDERMOLYSIS BULLOSA SIMPLEX AND LIMB-GIRDLE MUSCULAR DYSTROPHY. Identifiers: Orphanet 257, MedGen C2931072, MONDO:0009181, OMIM 226670.
Epidermolysis bullosa simplex, Ogna type (EBS5A). Also called: Pidermolysis bullosa simplex 5A, Ogna type; EPIDERMOLYSIS BULLOSA SIMPLEX 5A, OGNA TYPE. Identifiers: Orphanet 79401, MedGen C0432317, MONDO:0007555, OMIM 131950.
Epidermolysis bullosa simplex 5C, with pyloric atresia (EBS5C). Also called: Epidermolysis bullosa simplex with pyloric atresia; PLEC1-Related Epidermolysis Bullosa with Pyloric Atresia; PLEC-Related Epidermolysis Bullosa with Pyloric Atresia. Identifiers: Orphanet 158684, MedGen C2677349, MONDO:0012807, OMIM 612138.

Allele frequency attached by ClinVar (database versions not stated): ExAC below 0.00001; gnomAD exomes 0.00001 and 0.00002; gnomAD 0.00007 and 0.00008; TOPMed 0.00008; 1000 Genomes Project 30x 0.00016.
gnomAD v4.1: 27 of 1,558,622 alleles (0.0017%); highest among the groups gnomAD compares: African/African-American, 0.024%; no homozygotes.

Submissions (2):

Labcorp Genetics (formerly Invitae), Labcorp
Classification: Likely benign for Autosomal recessive limb-girdle muscular dystrophy type 2Q; Epidermolysis bullosa simplex, Ogna type; Epidermolysis bullosa simplex with nail dystrophy; Epidermolysis bullosa simplex 5C, with pyloric atresia; Epidermolysis bullosa simplex 5B, with muscular dystrophy. Last evaluated: 2023-11-04. Review status: criteria provided, single submitter. Criteria: Invitae Variant Classification Sherloc (09022015). Collection method: clinical testing. Allele origin: germline.

GeneDx
Classification: Uncertain significance. Last evaluated: 2017-03-03. Review status: criteria provided, single submitter. Criteria: GeneDx Variant Classification (06012015). Collection method: clinical testing. Allele origin: germline. Affected: yes.
Comment: The c.4867 C>T nucleotide change results in a synonymous amino acid substitution at a position that is conserved through mammals. Multiple in-silico splice prediction models predict this variant would not alter gene splicing; however, in the absence of RNA/functional studies, the actual effect of this sequence change in this individual is unknown. No data are available from control populations to assess the frequency of this variant (Lek et al., 2016; 1000 Genomes Consortium et al., 2015; Exome Variant Server).